The following is an entry in ClinVar:

NM_019055.6(ROBO4):c.6C>A (p.Gly2=)

Gene: ROBO4 (roundabout guidance receptor 4; minus strand). Cytogenetic location: 11q24.2.
Variant type: single nucleotide variant.
Coding change: c.6C>A on transcript NM_019055.6 (MANE Select); coding-DNA position 6, C replaced by A.
Protein change: p.Gly2=; no amino-acid change (glycine 2 retained).
Molecular consequence: synonymous variant. On other transcripts: 5 prime UTR variant (1).
Genome position (GRCh38, 1-based): chr11:124,897,790, G>T on the plus strand (C>A on the coding strand, the complement: ROBO4 is on the minus strand). VCF-style: chr11-124897790-G-T. GRCh37 (hg19) VCF-style: chr11-124767686-G-T.
Other names: c.-224C>A (NM_001301088.2).
Identifiers: ClinVar variation 2691024 (VCV002691024.3), dbSNP rs55941905, ClinGen allele CA6345450.

ClinVar aggregate classification (germline): Benign. Review status: criteria provided, single submitter (1 of 4 stars). 2 submissions from 2 submitters: Benign (1). 1 of the submissions does not count toward it. Last evaluated 2022-11-25.

Conditions:
Familial thoracic aortic aneurysm and aortic dissection (TAAD). Also called: Thoracic aortic aneurysms and dissections. Identifiers: Orphanet 91387, MedGen C4707243, MONDO:0019625.
ROBO4-related disorder. Also called: ROBO4-related condition.

Allele frequency attached by ClinVar (database versions not stated): ESP Exome Variant Server 0.02485; TOPMed 0.03015; gnomAD 0.03080; gnomAD exomes 0.03580; ExAC 0.04285; 1000 Genomes Project 30x 0.04872; 1000 Genomes Project 0.05072.
gnomAD v4.1: 57,282 of 1,612,162 alleles (3.6%); highest among the groups gnomAD compares: East Asian, 7.5%; 1,292 homozygotes.

Submissions (2):

CHEO Genetics Diagnostic Laboratory, Children's Hospital of Eastern Ontario
Classification: Benign for Familial thoracic aortic aneurysm and aortic dissection. Last evaluated: 2022-11-25. Review status: criteria provided, single submitter. Criteria: ACMG Guidelines, 2015. Collection method: clinical testing. Allele origin: germline.

PreventionGenetics, part of Exact Sciences
Classification: Benign for ROBO4-related condition. Last evaluated: 2019-07-01. Review status: no assertion criteria provided. Collection method: clinical testing. Allele origin: germline. Not counted in ClinVar's aggregate classification.
Comment: This variant is classified as benign based on ACMG/AMP sequence variant interpretation guidelines (Richards et al. 2015 PMID: 25741868, with internal and published modifications).